The following is an entry in ClinVar:

NM_000038.6(APC):c.423-1G>A

Gene: APC (APC regulator of Wnt signaling pathway; plus strand). Cytogenetic location: 5q22.2.
Variant type: single nucleotide variant.
Coding change: c.423-1G>A on transcript NM_000038.6 (MANE Select); the canonical splice acceptor site of the intron before coding-DNA position 423, G replaced by A.
Molecular consequence: splice acceptor variant.
Genome position (GRCh38, 1-based): chr5:112,775,628, G>A. VCF-style: chr5-112775628-G-A. GRCh37 (hg19) VCF-style: chr5-112111325-G-A.
Other names: IVS3AS, G-A, -1; c.-613-1G>A (NM_001407470.1, NM_001407472.1, NM_001354906.2 and 1 more transcripts); c.423-1G>A (NM_001407447.1, NM_001354895.2, NM_001407456.1 and 16 more transcripts); c.453-1G>A (NM_001407446.1, NM_001354897.2, NM_001354902.2 and 1 more transcripts); c.246-1G>A (NM_001407453.1, NM_001354900.2, NM_001354901.2 and 1 more transcripts); c.348-1G>A (NM_001407451.1, NM_001354898.2, NM_001354904.2).
Identifiers: ClinVar variation 835 (VCV000000835.22), dbSNP rs397514031, ClinGen allele CA009189.

ClinVar aggregate classification (germline): Pathogenic. Review status: criteria provided, multiple submitters, no conflicts (2 of 4 stars). 9 submissions from 9 submitters: Pathogenic (7). 2 of the submissions do not count toward it. Last evaluated 2025-10-21.

Conditions:
Hereditary cancer-predisposing syndrome. Also called: Hereditary Cancer Syndrome; Tumor predisposition; Hereditary neoplastic syndrome; Neoplastic Syndromes, Hereditary. Identifiers: Orphanet 140162, MedGen C0027672, MeSH D009386, MONDO:0015356.
Familial adenomatous polyposis 1 (FAP1). Also called: FAMILIAL ADENOMATOUS POLYPOSIS 1, ATTENUATED; POLYPOSIS, ADENOMATOUS INTESTINAL. Identifiers: MedGen C2713442, MONDO:0021056, OMIM 175100. Disease mechanism: loss of function.

Submissions (9):

Clinical Genetics Laboratory, Skane University Hospital Lund
Classification: Pathogenic for Familial adenomatous polyposis 1. Last evaluated: 2025-10-21. Review status: criteria provided, single submitter. Criteria: ACMG Guidelines, 2015. Collection method: clinical testing. Allele origin: germline. Affected: yes.
Comment: The variant is classified as Pathogenic based on ClinGen InSiGHT Hereditary Colorectal Cancer/Polyposis Expert Panel Specifications to the ACMG/AMP Variant Interpretation Guidelines for APC Version 2.1.0 and the criteria: PVS1, PS4_moderate and PM2_supporting

Color Diagnostics, LLC DBA Color Health
Classification: Pathogenic for Hereditary cancer-predisposing syndrome. Last evaluated: 2024-06-24. Review status: criteria provided, single submitter. Criteria: ACMG Guidelines, 2015. Collection method: clinical testing. Allele origin: germline.
Comment: This variant causes a G to A nucleotide substitution at the -1 position of intron 4 of the APC gene. Functional RNA studies have shown that this variant causes out-of-frame skipping of exon 5 (coding exon 4), resulting in premature truncation (PMID: 10598803, 10982189, 15459959). This variant has been reported in individuals affected with or suspected of having familial adenomatous polyposis (FAP) or attenuated familial adenomatous polyposis (AFAP) (PMID: 9664575, 10598803, 10982189, 11960572, 14574009, 15459959, 17039269, 20223039, 20685668), and it has been shown that this variant segregates with disease (PMID: 10598803). This variant has not been identified in the general population by the Genome Aggregation Database (gnomAD). Loss of APC function is a known mechanism of disease. Based on the available evidence, this variant is classified as Pathogenic.

GeneDx
Classification: Pathogenic. Last evaluated: 2023-12-28. Review status: criteria provided, single submitter. Criteria: GeneDx Variant Classification Process June 2021. Collection method: clinical testing. Allele origin: germline. Affected: yes.
Comment: Canonical splice site variant predicted to result in a null allele in a gene for which loss of function is a known mechanism of disease; Observed in individuals with familial adenomatous polyposis (PMID: 17039269, 20223039); Not observed at significant frequency in large population cohorts (gnomAD); This variant is associated with the following publications: (PMID: 10982189, 25525159, 20223039, 17039269, 11960572, 10598803, 19931546, 32335476, 35189564)

Ambry Genetics
Classification: Pathogenic for Hereditary cancer-predisposing syndrome. Last evaluated: 2023-09-25. Review status: criteria provided, single submitter. Criteria: Ambry Variant Classification Scheme 2023. Collection method: clinical testing. Allele origin: germline.
Comment: The c.423-1G>A intronic pathogenic mutation results from a G to A substitution one nucleotide upstream from coding exon 4 of the APC gene. This alteration has been observed in individuals with a personal and/or family history that is consistent with APC-related disease (Ambry internal data; Spirio L et al. Hum Genet. 1999 Nov;105(5):388-98; Friedl W, Hered Cancer Clin Pract 2005 ; 3(3):95-114; Su LK, Hum. Genet. 2000 Jan; 106(1):101-7). RNA studies have demonstrated this alteration results in exon 4 skipping (Ambry internal data; Spirio L et al. Hum Genet. 1999 Nov;105(5):388-98). This variant is considered to be rare based on population cohorts in the Genome Aggregation Database (gnomAD). Alterations that disrupt the canonical splice site are expected to cause aberrant splicing, resulting in an abnormal protein or a transcript that is subject to nonsense-mediated mRNA decay. As such, this alteration is classified as a disease-causing mutation.

Myriad Genetics, Inc.
Classification: Pathogenic for Familial adenomatous polyposis 1. Last evaluated: 2023-05-03. Review status: criteria provided, single submitter. Criteria: Myriad Autosomal Dominant, Autosomal Recessive and X-Linked Classification Criteria (2023). Collection method: clinical testing. Allele origin: unknown.
Comment: This variant is considered pathogenic. This variant occurs within a consensus splice junction and is predicted to result in abnormal mRNA splicing of either an out-of-frame exon or an in-frame exon necessary for protein stability and/or normal function. mRNA analysis has demonstrated abnormal mRNA splicing occurs [PMID: 15459959].

Labcorp Genetics (formerly Invitae), Labcorp
Classification: Pathogenic for Familial adenomatous polyposis 1. Last evaluated: 2022-09-23. Review status: criteria provided, single submitter. Criteria: Invitae Variant Classification Sherloc (09022015). Collection method: clinical testing. Allele origin: germline.
Comment: For these reasons, this variant has been classified as Pathogenic. This sequence change affects an acceptor splice site in intron 4 of the APC gene. RNA analysis indicates that disruption of this splice site induces altered splicing and may result in an absent or disrupted protein product. This variant is not present in population databases (gnomAD no frequency). Disruption of this splice site has been observed in individuals with familial adenomatous polyposis (PMID: 10598803, 20685668). It has also been observed to segregate with disease in related individuals. ClinVar contains an entry for this variant (Variation ID: 835). Studies have shown that disruption of this splice site results in skipping of exon 5 and introduces a premature termination codon (PMID: 10598803). The resulting mRNA is expected to undergo nonsense-mediated decay.

Institute for Clinical Genetics, University Hospital TU Dresden, University Hospital TU Dresden
Classification: Pathogenic. Last evaluated: 2021-11-03. Review status: criteria provided, single submitter. Criteria: ACMG Guidelines, 2015. Collection method: clinical testing. Allele origin: germline.

OMIM
Classification: Pathogenic for FAMILIAL ADENOMATOUS POLYPOSIS 1, ATTENUATED. Last evaluated: 1999-11-01. Review status: no assertion criteria provided. Collection method: literature only. Allele origin: germline. Not counted in ClinVar's aggregate classification.

Department of Pathology and Laboratory Medicine, Sinai Health System
Classification: Uncertain significance. Review status: no assertion criteria provided. Collection method: clinical testing. Allele origin: unknown. Affected: yes. Observed: 9 variant alleles. Study: The Canadian Open Genetics Repository (COGR). Not counted in ClinVar's aggregate classification.

Literature cited by the submitters: PubMed 9664575 (cited by Color Diagnostics, LLC DBA Color Health); PubMed 10598803 (cited by 4 submitters); PubMed 10982189 (cited by Color Diagnostics, LLC DBA Color Health and Ambry Genetics); PubMed 11960572 (cited by Color Diagnostics, LLC DBA Color Health); PubMed 14574009 (cited by Color Diagnostics, LLC DBA Color Health); PubMed 15459959 (cited by Color Diagnostics, LLC DBA Color Health and Myriad Genetics, Inc.); PubMed 17039269 (cited by Color Diagnostics, LLC DBA Color Health); PubMed 20223039 (cited by Color Diagnostics, LLC DBA Color Health and Ambry Genetics); PubMed 20685668 (cited by Color Diagnostics, LLC DBA Color Health and Labcorp Genetics (formerly Invitae), Labcorp).